The following is an entry in ClinVar:

ClinVar aggregate classification (germline): Uncertain significance (1 of 4 stars; one submission).

Conditions:
KBG syndrome (KBGS). Also called: ANKRD11-Related KBG Syndrome. Identifiers: Orphanet 2332, MedGen C0220687, MONDO:0007846, OMIM 148050.

Submission:

Labcorp Genetics (formerly Invitae), Labcorp
Classification: Uncertain significance for KBG syndrome. Last evaluated: 2024-11-28. Review status: criteria provided, single submitter. Criteria: Invitae Variant Classification Sherloc (09022015). Collection method: clinical testing. Allele origin: germline.
Comment: This sequence change replaces proline, which is neutral and non-polar, with serine, which is neutral and polar, at codon 1926 of the ANKRD11 protein (p.Pro1926Ser). This variant is not present in population databases (gnomAD no frequency). This variant has not been reported in the literature in individuals affected with ANKRD11-related conditions. Invitae Evidence Modeling of protein sequence and biophysical properties (such as structural, functional, and spatial information, amino acid conservation, physicochemical variation, residue mobility, and thermodynamic stability) indicates that this missense variant is not expected to disrupt ANKRD11 protein function with a negative predictive value of 95%. In summary, the available evidence is currently insufficient to determine the role of this variant in disease. Therefore, it has been classified as a Variant of Uncertain Significance.

NM_013275.6(ANKRD11):c.5776C>T (p.Pro1926Ser)

Gene: ANKRD11 (ankyrin repeat domain 11; minus strand). Cytogenetic location: 16q24.3.
Variant type: single nucleotide variant.
Coding change: c.5776C>T on transcript NM_013275.6 (MANE Select); coding-DNA position 5776, C replaced by T.
Protein change: p.Pro1926Ser; replaces proline 1926 with serine.
Molecular consequence: missense variant.
Genome position (GRCh38, 1-based): chr16:89,280,766, G>A on the plus strand (C>T on the coding strand, the complement: ANKRD11 is on the minus strand). VCF-style: chr16-89280766-G-A. GRCh37 (hg19) VCF-style: chr16-89347174-G-A.
Other names: c.5776C>T, p.Pro1926Ser (NM_001256182.2, NM_001256183.2); short protein forms P1926S.
Identifiers: ClinVar variation 3620148 (VCV003620148.2).